The following is an entry in ClinVar:

NM_001458.5(FLNC):c.7687T>C (p.Tyr2563His)

Genes: FLNC (filamin C; plus strand), FLNC-AS1 (FLNC antisense RNA 1; minus strand). Cytogenetic location: 7q32.1.
Variant type: single nucleotide variant.
Coding change: c.7687T>C on transcript NM_001458.5 (MANE Select); coding-DNA position 7687, T replaced by C.
Protein change: p.Tyr2563His; replaces tyrosine 2563 with histidine.
Molecular consequence: missense variant.
Genome position (GRCh38, 1-based): chr7:128,857,243, T>C. VCF-style: chr7-128857243-T-C. GRCh37 (hg19) VCF-style: chr7-128497297-T-C.
Other names: c.7588T>C, p.Tyr2530His (NM_001127487.2); short protein forms Y2563H, Y2530H.
Identifiers: ClinVar variation 636988 (VCV000636988.3), dbSNP rs1470053697, ClinGen allele CA369219675.

ClinVar aggregate classification (germline): Conflicting classifications of pathogenicity. Review status: criteria provided, conflicting classifications (1 of 4 stars). 2 submissions from 2 submitters: Likely pathogenic (1); Uncertain significance (1). Last evaluated 2025-03-09.

Conditions:
Myofibrillar myopathy 5. Also called: Filaminopathy (type); FILAMINOPATHY, AUTOSOMAL DOMINANT. Identifiers: Orphanet 171445, MedGen C1836050, MONDO:0012289, OMIM 609524.
Hypertrophic cardiomyopathy 26. Also called: Cardiomyopathy, familial hypertrophic, 26. Identifiers: Orphanet 75249, MedGen C4310749, MONDO:0014883, OMIM 617047.
Distal myopathy with posterior leg and anterior hand involvement. Also called: WILLIAMS DISTAL MYOPATHY. Identifiers: Orphanet 63273, MedGen C3279722, MONDO:0013550, OMIM 614065.
FLNC-related disorder. Also called: FLNC-related disorders; FLNC-related condition.

Submissions (2):

Labcorp Genetics (formerly Invitae), Labcorp
Classification: Uncertain significance for Distal myopathy with posterior leg and anterior hand involvement; Myofibrillar myopathy 5; Hypertrophic cardiomyopathy 26. Last evaluated: 2025-03-09. Review status: criteria provided, single submitter. Criteria: Invitae Variant Classification Sherloc (09022015). Collection method: clinical testing. Allele origin: germline.
Comment: This sequence change replaces tyrosine, which is neutral and polar, with histidine, which is basic and polar, at codon 2563 of the FLNC protein (p.Tyr2563His). This variant is not present in population databases (gnomAD no frequency). This missense change has been observed in individual(s) with dilated cardiomyopathy (internal data). ClinVar contains an entry for this variant (Variation ID: 636988). Invitae Evidence Modeling of protein sequence and biophysical properties (such as structural, functional, and spatial information, amino acid conservation, physicochemical variation, residue mobility, and thermodynamic stability) indicates that this missense variant is not expected to disrupt FLNC protein function with a negative predictive value of 80%. In summary, the available evidence is currently insufficient to determine the role of this variant in disease. Therefore, it has been classified as a Variant of Uncertain Significance.

Blueprint Genetics
Classification: Likely pathogenic for FLNC-related disorders. Last evaluated: 2020-07-14. Review status: criteria provided, single submitter. Criteria: ACMG Guidelines, 2015. Collection method: clinical testing. Allele origin: germline. Affected: yes. Observed: 5 variant alleles.